The following is an entry in ClinVar:

NM_000268.4(NF2):c.1002G>A (p.Met334Ile)

Gene: NF2 (NF2, moesin-ezrin-radixin like (MERLIN) tumor suppressor; plus strand). Cytogenetic location: 22q12.2.
Variant type: single nucleotide variant.
Coding change: c.1002G>A on transcript NM_000268.4 (MANE Select); coding-DNA position 1002, G replaced by A.
Protein change: p.Met334Ile; replaces methionine 334 with isoleucine.
Molecular consequence: missense variant. On other transcripts: intron variant (1).
Genome position (GRCh38, 1-based): chr22:29,671,828, G>A. VCF-style: chr22-29671828-G-A. GRCh37 (hg19) VCF-style: chr22-30067817-G-A.
Other names: c.888G>A, p.Met296Ile (NM_001407053.1, NM_001407056.1); c.879G>A, p.Met293Ile (NM_001407054.1, NM_001407058.1, NM_181829.3); c.876G>A, p.Met292Ile (NM_001407055.1, NM_181828.3); c.867G>A, p.Met289Ile (NM_001407057.1, NM_001407059.1); c.1002G>A, p.Met334Ile (NM_001407060.1, NM_001407066.1, NM_016418.5 and 2 more transcripts); c.744G>A, p.Met248Ile (NM_001407062.1); c.753G>A, p.Met251Ile (NM_001407063.1, NM_001407064.1, NM_181830.3 and 1 more transcripts); c.468G>A, p.Met156Ile (NM_001407065.1); and 2 more; short protein forms M156I, M248I, M251I, M257I, M289I, M292I, M293I, M296I.
Identifiers: ClinVar variation 4758864 (VCV004758864.1).

ClinVar aggregate classification (germline): Uncertain significance (1 of 4 stars; one submission).

Conditions:
Neurofibromatosis, type 2 (SWNV). Also called: BILATERAL ACOUSTIC NEUROFIBROMATOSIS; NF2-Related Schwannomatosis; SCHWANNOMATOSIS, VESTIBULAR. Identifiers: Orphanet 637, MedGen C0027832, MONDO:0007039, OMIM 101000. Disease mechanism: loss of function.

gnomAD v4.1: 2 of 1,614,034 alleles (0.00012%); highest among the groups gnomAD compares: Non-Finnish European, 0.00017%; no homozygotes.

Submission:

Color Diagnostics, LLC DBA Color Health
Classification: Uncertain significance for Neurofibromatosis, type 2. Last evaluated: 2025-07-14. Review status: criteria provided, single submitter. Criteria: ACMG Guidelines, 2015. Collection method: clinical testing. Allele origin: germline.
Comment: This missense variant replaces methionine with isoleucine at codon 334 of the NF2 protein. Computational prediction suggests that this variant may not impact protein structure and function. To our knowledge, functional studies have not been reported for this variant. This variant has not been reported in individuals affected with NF2-related disorders in the literature. This variant has not been identified in the general population by the Genome Aggregation Database (gnomAD). The available evidence is insufficient to determine the role of this variant in disease conclusively. Therefore, this variant is classified as a Variant of Uncertain Significance.